The following is an entry in ClinVar:

ClinVar aggregate classification (germline): Uncertain significance (1 of 4 stars; one submission).

Conditions:
Werner syndrome (WRN). Identifiers: Orphanet 902, MedGen C0043119, MONDO:0010196, OMIM 277700.

Submission:

Labcorp Genetics (formerly Invitae), Labcorp
Classification: Uncertain significance for Werner syndrome. Last evaluated: 2023-06-16. Review status: criteria provided, single submitter. Criteria: Invitae Variant Classification Sherloc (09022015). Collection method: clinical testing. Allele origin: germline.
Comment: In summary, the available evidence is currently insufficient to determine the role of this variant in disease. Therefore, it has been classified as a Variant of Uncertain Significance. Variants that disrupt the consensus splice site are a relatively common cause of aberrant splicing (PMID: 17576681, 9536098). Algorithms developed to predict the effect of sequence changes on RNA splicing suggest that this variant is not likely to affect RNA splicing. This variant has not been reported in the literature in individuals affected with WRN-related conditions. This variant is not present in population databases (gnomAD no frequency). This sequence change falls in intron 24 of the WRN gene. It does not directly change the encoded amino acid sequence of the WRN protein. It affects a nucleotide within the consensus splice site.

Literature cited by the submitters: PubMed 17576681; PubMed 9536098.

NM_000553.6(WRN):c.2967+6T>C

Gene: WRN (WRN RecQ like helicase; plus strand). Cytogenetic location: 8p12.
Variant type: single nucleotide variant.
Coding change: c.2967+6T>C on transcript NM_000553.6 (MANE Select); 6 bases into the intron after coding-DNA position 2967, T replaced by C.
Molecular consequence: intron variant.
Genome position (GRCh38, 1-based): chr8:31,132,512, T>C. VCF-style: chr8-31132512-T-C. GRCh37 (hg19) VCF-style: chr8-30990028-T-C.
Identifiers: ClinVar variation 2717182 (VCV002717182.3), dbSNP rs2130377867, ClinGen allele CA2697549811.